The following is an entry in ClinVar:

ClinVar aggregate classification (germline): Uncertain significance. Review status: criteria provided, multiple submitters, no conflicts (2 of 4 stars). 2 submissions from 2 submitters: Uncertain significance (2). Last evaluated 2023-12-19.

Conditions:
Inborn genetic diseases. Identifiers: MedGen C0950123, MeSH D030342.

Allele frequency attached by ClinVar (database versions not stated): gnomAD exomes 0.00002; TOPMed 0.00002; ExAC 0.00001; gnomAD 0.00002.
gnomAD v4.1: 24 of 1,612,014 alleles (0.0015%); highest among the groups gnomAD compares: East Asian, 0.0089%; no homozygotes.

Submissions (2):

Ambry Genetics
Classification: Uncertain significance for Inborn genetic diseases. Last evaluated: 2023-12-19. Review status: criteria provided, single submitter. Criteria: Ambry Variant Classification Scheme 2023. Collection method: clinical testing. Allele origin: germline.

Labcorp Genetics (formerly Invitae), Labcorp
Classification: Uncertain significance. Last evaluated: 2022-01-11. Review status: criteria provided, single submitter. Criteria: Invitae Variant Classification Sherloc (09022015). Collection method: clinical testing. Allele origin: germline.
Comment: This variant has not been reported in the literature in individuals affected with DCHS1-related conditions. In summary, the available evidence is currently insufficient to determine the role of this variant in disease. Therefore, it has been classified as a Variant of Uncertain Significance. Advanced modeling of protein sequence and biophysical properties (such as structural, functional, and spatial information, amino acid conservation, physicochemical variation, residue mobility, and thermodynamic stability) performed at Invitae indicates that this missense variant is not expected to disrupt DCHS1 protein function. This variant is present in population databases (rs753181516, gnomAD 0.005%). This sequence change replaces arginine, which is basic and polar, with histidine, which is basic and polar, at codon 3264 of the DCHS1 protein (p.Arg3264His).

NM_003737.4(DCHS1):c.9791G>A (p.Arg3264His)

Gene: DCHS1 (dachsous cadherin-related 1; minus strand). Cytogenetic location: 11p15.4.
Variant type: single nucleotide variant.
Coding change: c.9791G>A on transcript NM_003737.4 (MANE Select); coding-DNA position 9791, G replaced by A.
Protein change: p.Arg3264His; replaces arginine 3264 with histidine.
Molecular consequence: missense variant.
Genome position (GRCh38, 1-based): chr11:6,621,885, C>T on the plus strand (G>A on the coding strand, the complement: DCHS1 is on the minus strand). VCF-style: chr11-6621885-C-T. GRCh37 (hg19) VCF-style: chr11-6643116-C-T.
Other names: c.9791G>A (NM_003737.2); short protein forms R3264H.
Identifiers: ClinVar variation 1980445 (VCV001980445.5), dbSNP rs753181516, ClinGen allele CA5859179.